The following is an entry in ClinVar:

NM_001252024.2(TRPM1):c.279+5G>A

Gene: TRPM1 (transient receptor potential cation channel subfamily M member 1; minus strand). Cytogenetic location: 15q13.3.
Variant type: single nucleotide variant.
Coding change: c.279+5G>A on transcript NM_001252024.2 (MANE Select); 5 bases into the intron after coding-DNA position 279, G replaced by A.
Molecular consequence: intron variant. On other transcripts: missense variant (1).
Genome position (GRCh38, 1-based): chr15:31,070,026, C>T on the plus strand (G>A on the coding strand, the complement: TRPM1 is on the minus strand). VCF-style: chr15-31070026-C-T. GRCh37 (hg19) VCF-style: chr15-31362229-C-T.
Other names: c.218G>A, p.Arg73Lys (NM_001252030.2); c.330+5G>A (NM_001252020.2); c.213+5G>A (NM_002420.6); short protein forms R73K.
Identifiers: ClinVar variation 3026117 (VCV003026117.23), dbSNP rs2504229522, ClinGen allele CA391536855.

ClinVar aggregate classification (germline): Uncertain significance. Review status: criteria provided, multiple submitters, no conflicts (2 of 4 stars). 2 submissions from 2 submitters: Uncertain significance (2). Last evaluated 2024-01-01.

Submissions (2):

CeGaT Center for Human Genetics Tuebingen
Classification: Uncertain significance. Last evaluated: 2024-01-01. Review status: criteria provided, single submitter. Criteria: CeGaT Center For Human Genetics Tuebingen Variant Classification Criteria Version 2. Collection method: clinical testing. Allele origin: germline. Affected: yes. Observed: 1 variant allele.
Comment: TRPM1: PM2, PP3

Blueprint Genetics
Classification: Uncertain significance. Last evaluated: 2020-12-12. Review status: criteria provided, single submitter. Criteria: ACMG Guidelines, 2015. Collection method: clinical testing. Allele origin: germline.